The following is an entry in ClinVar:

ClinVar aggregate classification (germline): Uncertain significance. Review status: criteria provided, multiple submitters, no conflicts (2 of 4 stars). 2 submissions from 2 submitters: Uncertain significance (2). Last evaluated 2026-05-30.

Conditions:
Alstrom syndrome (ALMS). Identifiers: Orphanet 64, MedGen C0268425, MONDO:0008763, OMIM 203800.

Allele frequency attached by ClinVar (database versions not stated): gnomAD 0.00001; gnomAD exomes below 0.00001.
gnomAD v4.1: 2 of 1,613,706 alleles (0.00012%); highest among the groups gnomAD compares: Non-Finnish European, 0.00017%; no homozygotes.

Submissions (2):

Women's Health and Genetics/Laboratory Corporation of America, LabCorp
Classification: Uncertain significance. Last evaluated: 2026-05-30. Review status: criteria provided, single submitter. Criteria: LabCorp Variant Classification Summary - May 2015. Collection method: clinical testing. Allele origin: germline.

Labcorp Genetics (formerly Invitae), Labcorp
Classification: Uncertain significance for Alstrom syndrome. Last evaluated: 2022-01-31. Review status: criteria provided, single submitter. Criteria: Invitae Variant Classification Sherloc (09022015). Collection method: clinical testing. Allele origin: germline.
Comment: This sequence change replaces lysine, which is basic and polar, with glutamic acid, which is acidic and polar, at codon 2335 of the ALMS1 protein (p.Lys2335Glu). This variant is not present in population databases (gnomAD no frequency). This variant has not been reported in the literature in individuals affected with ALMS1-related conditions. Experimental studies and prediction algorithms are not available or were not evaluated, and the functional significance of this variant is currently unknown. In summary, the available evidence is currently insufficient to determine the role of this variant in disease. Therefore, it has been classified as a Variant of Uncertain Significance.

NM_001378454.1(ALMS1):c.7000A>G (p.Lys2334Glu)

Gene: ALMS1 (ALMS1 centrosome and basal body associated protein; plus strand). Cytogenetic location: 2p13.1.
Variant type: single nucleotide variant.
Coding change: c.7000A>G on transcript NM_001378454.1 (MANE Select); coding-DNA position 7000, A replaced by G.
Protein change: p.Lys2334Glu; replaces lysine 2334 with glutamic acid.
Molecular consequence: missense variant.
Genome position (GRCh38, 1-based): chr2:73,453,527, A>G. VCF-style: chr2-73453527-A-G. GRCh37 (hg19) VCF-style: chr2-73680654-A-G.
Other names: c.7003A>G, p.Lys2335Glu (NM_015120.4); short protein forms K2334E, K2335E.
Identifiers: ClinVar variation 2203462 (VCV002203462.2), dbSNP rs1671995009, ClinGen allele CA347290476.